The following is an entry in ClinVar:

NM_021076.4(NEFH):c.843C>G (p.His281Gln)

Gene: NEFH (neurofilament heavy chain; plus strand). Cytogenetic location: 22q12.2.
Variant type: single nucleotide variant.
Coding change: c.843C>G on transcript NM_021076.4 (MANE Select); coding-DNA position 843, C replaced by G.
Protein change: p.His281Gln; replaces histidine 281 with glutamine.
Molecular consequence: missense variant.
Genome position (GRCh38, 1-based): chr22:29,481,105, C>G. VCF-style: chr22-29481105-C-G. GRCh37 (hg19) VCF-style: chr22-29877094-C-G.
Other names: short protein forms H281Q.
Identifiers: ClinVar variation 3617106 (VCV003617106.2).

ClinVar aggregate classification (germline): Uncertain significance (1 of 4 stars; one submission).

gnomAD v4.1: 21 of 1,531,458 alleles (0.0014%); highest among the groups gnomAD compares: East Asian, 0.0025%; no homozygotes.

Submission:

Labcorp Genetics (formerly Invitae), Labcorp
Classification: Uncertain significance. Last evaluated: 2024-08-01. Review status: criteria provided, single submitter. Criteria: Invitae Variant Classification Sherloc (09022015). Collection method: clinical testing. Allele origin: germline.
Comment: This sequence change replaces histidine, which is basic and polar, with glutamine, which is neutral and polar, at codon 281 of the NEFH protein (p.His281Gln). This variant is present in population databases (no rsID available, gnomAD 0.002%). This variant has not been reported in the literature in individuals affected with NEFH-related conditions. Advanced modeling of protein sequence and biophysical properties (such as structural, functional, and spatial information, amino acid conservation, physicochemical variation, residue mobility, and thermodynamic stability) performed at Invitae indicates that this missense variant is not expected to disrupt NEFH protein function with a negative predictive value of 95%. In summary, the available evidence is currently insufficient to determine the role of this variant in disease. Therefore, it has been classified as a Variant of Uncertain Significance.